The following is an entry in ClinVar:

NM_006939.4(SOS2):c.19C>A (p.Pro7Thr)

Genes: SOS2 (SOS Ras/Rho guanine nucleotide exchange factor 2; minus strand), LOC130055588 (ATAC-STARR-seq lymphoblastoid silent region 5718; plus strand). Cytogenetic location: 14q21.3.
Variant type: single nucleotide variant.
Coding change: c.19C>A on transcript NM_006939.4 (MANE Select); coding-DNA position 19, C replaced by A.
Protein change: p.Pro7Thr; replaces proline 7 with threonine.
Molecular consequence: missense variant.
Genome position (GRCh38, 1-based): chr14:50,231,265, G>T on the plus strand (C>A on the coding strand, the complement: SOS2 is on the minus strand). VCF-style: chr14-50231265-G-T. GRCh37 (hg19) VCF-style: chr14-50697983-G-T.
Other names: c.19C>A, p.Pro7Thr (NM_001411020.1); short protein forms P7T.
Identifiers: ClinVar variation 2852775 (VCV002852775.3), dbSNP rs1887536522, ClinGen allele CA389657658.

ClinVar aggregate classification (germline): Uncertain significance (1 of 4 stars; one submission).

Conditions:
Noonan syndrome 9 (NS9). Identifiers: Orphanet 648, MedGen C4225282, MONDO:0014691, OMIM 616559.

Submission:

Labcorp Genetics (formerly Invitae), Labcorp
Classification: Uncertain significance for Noonan syndrome 9. Last evaluated: 2023-04-06. Review status: criteria provided, single submitter. Criteria: Invitae Variant Classification Sherloc (09022015). Collection method: clinical testing. Allele origin: germline.
Comment: This sequence change replaces proline, which is neutral and non-polar, with threonine, which is neutral and polar, at codon 7 of the SOS2 protein (p.Pro7Thr). This variant is not present in population databases (gnomAD no frequency). This variant has not been reported in the literature in individuals affected with SOS2-related conditions. Advanced modeling of protein sequence and biophysical properties (such as structural, functional, and spatial information, amino acid conservation, physicochemical variation, residue mobility, and thermodynamic stability) performed at Invitae indicates that this missense variant is not expected to disrupt SOS2 protein function. In summary, the available evidence is currently insufficient to determine the role of this variant in disease. Therefore, it has been classified as a Variant of Uncertain Significance.